The following is an entry in ClinVar:

NM_004655.4(AXIN2):c.238A>G (p.Lys80Glu)

Gene: AXIN2 (axin 2; minus strand). Cytogenetic location: 17q24.1.
Variant type: single nucleotide variant.
Coding change: c.238A>G on transcript NM_004655.4 (MANE Select); coding-DNA position 238, A replaced by G.
Protein change: p.Lys80Glu; replaces lysine 80 with glutamic acid.
Molecular consequence: missense variant.
Genome position (GRCh38, 1-based): chr17:65,558,383, T>C on the plus strand (A>G on the coding strand, the complement: AXIN2 is on the minus strand). VCF-style: chr17-65558383-T-C. GRCh37 (hg19) VCF-style: chr17-63554501-T-C.
Other names: c.238A>G, p.Lys80Glu (NM_001363813.1); short protein forms K80E.
Identifiers: ClinVar variation 1790535 (VCV001790535.6), dbSNP rs2544253444, ClinGen allele CA400681838.
Genomic context (GRCh38, chr17:65,558,383, plus strand): 5'-CCAGGAAAGTTCGGAACAGGTAAGCACCGTCTTGATCGCCCAATAAGGAGTGTAAGGACT[T>C]GGTCCACCGGGTCAGAGGGGAATCCGGAGATGCCCGCCCCTCCGGCTCCCCCAACCCATC-3'
Protein context (NP_004646.3, residues 70-90): SPDSPLTRWT[Lys80Glu]SLHSLLGDQD

ClinVar aggregate classification (germline): Uncertain significance. Review status: criteria provided, multiple submitters, no conflicts (2 of 4 stars). 2 submissions from 2 submitters: Uncertain significance (2). Last evaluated 2025-08-20.

Conditions:
Hereditary cancer-predisposing syndrome. Also called: Hereditary Cancer Syndrome; Hereditary neoplastic syndrome; Tumor predisposition; Neoplastic Syndromes, Hereditary. Identifiers: Orphanet 140162, MedGen C0027672, MeSH D009386, MONDO:0015356.
Oligodontia-cancer predisposition syndrome. Also called: TOOTH AGENESIS-COLORECTAL CANCER SYNDROME. Identifiers: Orphanet 300576, MedGen C1837750, MONDO:0012075, OMIM 608615. Disease mechanism: loss of function.

Submissions (2):

Ambry Genetics
Classification: Uncertain significance for Hereditary cancer-predisposing syndrome. Last evaluated: 2025-08-20. Review status: criteria provided, single submitter. Criteria: Ambry Variant Classification Scheme 2023. Collection method: clinical testing. Allele origin: germline.
Comment: The p.K80E variant (also known as c.238A>G), located in coding exon 1 of the AXIN2 gene, results from an A to G substitution at nucleotide position 238. The lysine at codon 80 is replaced by glutamic acid, an amino acid with similar properties. This amino acid position is well conserved in available vertebrate species. In addition, this alteration is predicted to be tolerated by in silico analysis. Since supporting evidence is limited at this time, the clinical significance of this alteration remains unclear.

Labcorp Genetics (formerly Invitae), Labcorp
Classification: Uncertain significance for Oligodontia-cancer predisposition syndrome. Last evaluated: 2023-12-01. Review status: criteria provided, single submitter. Criteria: Invitae Variant Classification Sherloc (09022015). Collection method: clinical testing. Allele origin: germline.
Comment: This sequence change replaces lysine, which is basic and polar, with glutamic acid, which is acidic and polar, at codon 80 of the AXIN2 protein (p.Lys80Glu). This variant is not present in population databases (gnomAD no frequency). This variant has not been reported in the literature in individuals affected with AXIN2-related conditions. ClinVar contains an entry for this variant (Variation ID: 1790535). Advanced modeling of protein sequence and biophysical properties (such as structural, functional, and spatial information, amino acid conservation, physicochemical variation, residue mobility, and thermodynamic stability) performed at Invitae indicates that this missense variant is not expected to disrupt AXIN2 protein function with a negative predictive value of 80%. In summary, the available evidence is currently insufficient to determine the role of this variant in disease. Therefore, it has been classified as a Variant of Uncertain Significance.